The following is an entry in ClinVar:

ClinVar aggregate classification (germline): Uncertain significance. Review status: criteria provided, multiple submitters, no conflicts (2 of 4 stars). 2 submissions from 2 submitters: Uncertain significance (2). Last evaluated 2022-12-01.

Submissions (2):

CeGaT Center for Human Genetics Tuebingen
Classification: Uncertain significance. Last evaluated: 2022-12-01. Review status: criteria provided, single submitter. Criteria: CeGaT Center For Human Genetics Tuebingen Variant Classification Criteria Version 2. Collection method: clinical testing. Allele origin: germline. Affected: yes. Observed: 1 variant allele.
Comment: NFKB1: PM2

Labcorp Genetics (formerly Invitae), Labcorp
Classification: Uncertain significance. Last evaluated: 2020-11-23. Review status: criteria provided, single submitter. Criteria: Invitae Variant Classification Sherloc (09022015). Collection method: clinical testing. Allele origin: germline.
Comment: This sequence change replaces methionine with threonine at codon 14 of the NFKB1 protein (p.Met14Thr). The methionine residue is highly conserved and there is a moderate physicochemical difference between methionine and threonine. This variant is not present in population databases (ExAC no frequency). This variant has not been reported in the literature in individuals with NFKB1-related conditions. Algorithms developed to predict the effect of missense changes on protein structure and function are either unavailable or do not agree on the potential impact of this missense change (SIFT: "Deleterious"; PolyPhen-2: "Benign"; Align-GVGD: "Class C0"). In summary, the available evidence is currently insufficient to determine the role of this variant in disease. Therefore, it has been classified as a Variant of Uncertain Significance.

NM_003998.4(NFKB1):c.41T>C (p.Met14Thr)

Gene: NFKB1 (nuclear factor kappa B subunit 1; plus strand). Cytogenetic location: 4q24.
Variant type: single nucleotide variant.
Coding change: c.41T>C on transcript NM_003998.4 (MANE Select); coding-DNA position 41, T replaced by C.
Protein change: p.Met14Thr; replaces methionine 14 with threonine.
Molecular consequence: missense variant. On other transcripts: initiator codon variant (1).
Genome position (GRCh38, 1-based): chr4:102,529,837, T>C. VCF-style: chr4-102529837-T-C. GRCh37 (hg19) VCF-style: chr4-103450994-T-C.
Other names: c.41T>C, p.Met14Thr (NM_001165412.2, NM_001319226.2, NM_001382625.1 and 2 more transcripts); c.2T>C, p.Met1Thr (NM_001382628.1); short protein forms M1T, M14T.
Identifiers: ClinVar variation 1350326 (VCV001350326.32), dbSNP rs1741168290, ClinGen allele CA357957304.